The following is an entry in ClinVar:

NM_001999.4(FBN2):c.1717T>C (p.Cys573Arg)

Gene: FBN2 (fibrillin 2; minus strand). Cytogenetic location: 5q23.3.
Variant type: single nucleotide variant.
Coding change: c.1717T>C on transcript NM_001999.4 (MANE Select); coding-DNA position 1717, T replaced by C.
Protein change: p.Cys573Arg; replaces cysteine 573 with arginine.
Molecular consequence: missense variant.
Genome position (GRCh38, 1-based): chr5:128,378,777, A>G on the plus strand (T>C on the coding strand, the complement: FBN2 is on the minus strand). VCF-style: chr5-128378777-A-G. GRCh37 (hg19) VCF-style: chr5-127714470-A-G.
Other names: short protein forms C573R.
Identifiers: ClinVar variation 574540 (VCV000574540.9), dbSNP rs376737293, ClinGen allele CA3395741.

ClinVar aggregate classification (germline): Uncertain significance (1 of 4 stars; one submission).

Conditions:
Congenital contractural arachnodactyly (CCA). Also called: Beals-Hecht syndrome; BEALS SYNDROME; Arthrogryposis, distal, type 9. Identifiers: Orphanet 115, MedGen C0220668, MONDO:0007363, OMIM 121050.

Allele frequency attached by ClinVar (database versions not stated): gnomAD exomes below 0.00001; ExAC 0.00001; ESP Exome Variant Server 0.00008.
gnomAD v4.1: 1 of 1,613,104 alleles (0.000062%); highest among the groups gnomAD compares: Non-Finnish European, 0.000085%; no homozygotes.

Submission:

Labcorp Genetics (formerly Invitae), Labcorp
Classification: Uncertain significance for Congenital contractural arachnodactyly. Last evaluated: 2022-07-06. Review status: criteria provided, single submitter. Criteria: Invitae Variant Classification Sherloc (09022015). Collection method: clinical testing. Allele origin: germline.
Comment: This sequence change replaces cysteine, which is neutral and slightly polar, with arginine, which is basic and polar, at codon 573 of the FBN2 protein (p.Cys573Arg). This variant is present in population databases (rs376737293, gnomAD 0.0009%). In summary, the available evidence is currently insufficient to determine the role of this variant in disease. Therefore, it has been classified as a Variant of Uncertain Significance. Advanced modeling of protein sequence and biophysical properties (such as structural, functional, and spatial information, amino acid conservation, physicochemical variation, residue mobility, and thermodynamic stability) performed at Invitae indicates that this missense variant is expected to disrupt FBN2 protein function. ClinVar contains an entry for this variant (Variation ID: 574540). This variant has not been reported in the literature in individuals affected with FBN2-related conditions.